The following is an entry in ClinVar:

ClinVar aggregate classification (germline): Uncertain significance (1 of 4 stars; one submission).

Submission:

GeneDx
Classification: Uncertain significance. Last evaluated: 2026-03-20. Review status: criteria provided, single submitter. Criteria: GeneDx Variant Classification Process June 2021. Collection method: clinical testing. Allele origin: germline.
Comment: Not observed at significant frequency in large population cohorts (gnomAD); In silico analysis supports that this missense variant has a deleterious effect on protein structure/function; Has not been previously published as pathogenic or benign to our knowledge

NM_001366521.1(ATP2B1):c.1426A>G (p.Lys476Glu)

Gene: ATP2B1 (ATPase plasma membrane Ca2+ transporting 1; minus strand). Cytogenetic location: 12q21.33.
Variant type: single nucleotide variant.
Coding change: c.1426A>G on transcript NM_001366521.1 (MANE Select); coding-DNA position 1426, A replaced by G.
Protein change: p.Lys476Glu; replaces lysine 476 with glutamic acid.
Molecular consequence: missense variant. On other transcripts: non-coding transcript variant (3), intron variant (1).
Genome position (GRCh38, 1-based): chr12:89,621,710, T>C on the plus strand (A>G on the coding strand, the complement: ATP2B1 is on the minus strand). VCF-style: chr12-89621710-T-C. GRCh37 (hg19) VCF-style: chr12-90015487-T-C.
Other names: c.1426A>G, p.Lys476Glu (NM_001001323.2, NM_001366520.1, NM_001366522.1 and 12 more transcripts); c.1228A>G, p.Lys410Glu (NM_001366530.1, NM_001413053.1); c.865A>G, p.Lys289Glu (NM_001366531.1, NM_001366532.1, NM_001413058.1 and 2 more transcripts); c.1387A>G, p.Lys463Glu (NM_001413048.1); c.1285A>G, p.Lys429Glu (NM_001413051.1, NM_001413052.1, NM_001413055.1); c.1171A>G, p.Lys391Glu (NM_001413056.1); c.973A>G, p.Lys325Glu (NM_001413057.1); c.1345-1470A>G (NM_001413054.1); short protein forms K289E, K325E, K391E, K463E, K410E, K429E, K476E.
Identifiers: ClinVar variation 5009528 (VCV005009528.1).
Genomic context (GRCh38, chr12:89,621,710, plus strand): 5'-GTTTTTCATTTATGTAAGCTTGAACGACTGTCATTCTGTTCATTGTCAAAGTTCCTGTTT[T>C]ATCTGAACAAATAGCTGTAGCATTTCCCATGGTTTCACAAGCATCCAGATGCCTTACTAA-3'
Protein context (NP_001353450.1, residues 466-486): MGNATAICSD[Lys476Glu]TGTLTMNRMT